The following is an entry in ClinVar:

ClinVar aggregate classification (germline): Uncertain significance (1 of 4 stars; one submission).

Allele frequency attached by ClinVar (database versions not stated): gnomAD exomes below 0.00001; TOPMed below 0.00001; ExAC 0.00001; gnomAD 0.00001.
gnomAD v4.1: 4 of 1,610,132 alleles (0.00025%); highest among the groups gnomAD compares: Admixed American, 0.0067%; no homozygotes.

Submission:

Labcorp Genetics (formerly Invitae), Labcorp
Classification: Uncertain significance. Last evaluated: 2025-04-08. Review status: criteria provided, single submitter. Criteria: Invitae Variant Classification Sherloc (09022015). Collection method: clinical testing. Allele origin: germline.
Comment: This sequence change replaces glutamic acid, which is acidic and polar, with alanine, which is neutral and non-polar, at codon 1008 of the CEP135 protein (p.Glu1008Ala). This variant is present in population databases (rs761636439, gnomAD 0.01%). This variant has not been reported in the literature in individuals affected with CEP135-related conditions. ClinVar contains an entry for this variant (Variation ID: 1924440). An algorithm developed to predict the effect of missense changes on protein structure and function (PolyPhen-2) suggests that this variant is likely to be disruptive. In summary, the available evidence is currently insufficient to determine the role of this variant in disease. Therefore, it has been classified as a Variant of Uncertain Significance.

NM_025009.5(CEP135):c.3023A>C (p.Glu1008Ala)

Gene: CEP135 (centrosomal protein 135; plus strand). Cytogenetic location: 4q12.
Variant type: single nucleotide variant.
Coding change: c.3023A>C on transcript NM_025009.5 (MANE Select); coding-DNA position 3023, A replaced by C.
Protein change: p.Glu1008Ala; replaces glutamic acid 1008 with alanine.
Molecular consequence: missense variant.
Genome position (GRCh38, 1-based): chr4:56,019,363, A>C. VCF-style: chr4-56019363-A-C. GRCh37 (hg19) VCF-style: chr4-56885529-A-C.
Other names: short protein forms E1008A.
Identifiers: ClinVar variation 1924440 (VCV001924440.5), dbSNP rs761636439, ClinGen allele CA2928315.